The following is an entry in ClinVar:

ClinVar aggregate classification (germline): Uncertain significance (1 of 4 stars; one submission).

Submission:

Labcorp Genetics (formerly Invitae), Labcorp
Classification: Uncertain significance. Last evaluated: 2024-05-22. Review status: criteria provided, single submitter. Criteria: Invitae Variant Classification Sherloc (09022015). Collection method: clinical testing. Allele origin: germline.
Comment: This sequence change replaces arginine, which is basic and polar, with serine, which is neutral and polar, at codon 768 of the CACNA2D4 protein (p.Arg768Ser). This variant is not present in population databases (gnomAD no frequency). This variant has not been reported in the literature in individuals affected with CACNA2D4-related conditions. An algorithm developed to predict the effect of missense changes on protein structure and function (PolyPhen-2) suggests that this variant is likely to be disruptive. In summary, the available evidence is currently insufficient to determine the role of this variant in disease. Therefore, it has been classified as a Variant of Uncertain Significance.

NM_172364.5(CACNA2D4):c.2304A>T (p.Arg768Ser)

Gene: CACNA2D4 (calcium voltage-gated channel auxiliary subunit alpha2delta 4; minus strand). Cytogenetic location: 12p13.33.
Variant type: single nucleotide variant.
Coding change: c.2304A>T on transcript NM_172364.5 (MANE Select); coding-DNA position 2304, A replaced by T.
Protein change: p.Arg768Ser; replaces arginine 768 with serine.
Molecular consequence: missense variant.
Genome position (GRCh38, 1-based): chr12:1,846,632, T>A on the plus strand (A>T on the coding strand, the complement: CACNA2D4 is on the minus strand). VCF-style: chr12-1846632-T-A. GRCh37 (hg19) VCF-style: chr12-1955798-T-A.
Other names: short protein forms R768S.
Identifiers: ClinVar variation 3654213 (VCV003654213.2).